The following is an entry in ClinVar:

NM_001430.5(EPAS1):c.2025T>A (p.His675Gln)

Gene: EPAS1 (endothelial PAS domain protein 1; plus strand). Cytogenetic location: 2p21.
Variant type: single nucleotide variant.
Coding change: c.2025T>A on transcript NM_001430.5 (MANE Select); coding-DNA position 2025, T replaced by A.
Protein change: p.His675Gln; replaces histidine 675 with glutamine.
Molecular consequence: missense variant.
Genome position (GRCh38, 1-based): chr2:46,380,697, T>A. VCF-style: chr2-46380697-T-A. GRCh37 (hg19) VCF-style: chr2-46607836-T-A.
Other names: short protein forms H675Q.
Identifiers: ClinVar variation 1784646 (VCV001784646.2), dbSNP rs2546477991, ClinGen allele CA346705365.
Genomic context (GRCh38, chr2:46,380,697, plus strand): 5'-GGATCAGCGCACAGAGTTCTTGGGAGCAGCGCCGTTGGGGCCCCCTGTCTCTCCACCCCA[T>A]GTCTCCACCTTCAAGACAAGGTAAGTGGCAGATACTCAGCTGTACCAGCAGGGCCGAACC-3'
Protein context (NP_001421.2, residues 665-685): APLGPPVSPP[His675Gln]VSTFKTRSAK

ClinVar aggregate classification (germline): Uncertain significance (1 of 4 stars; one submission).

Conditions:
Inborn genetic diseases. Identifiers: MedGen C0950123, MeSH D030342.

Submission:

Ambry Genetics
Classification: Uncertain significance for Inborn genetic diseases. Last evaluated: 2021-12-10. Review status: criteria provided, single submitter. Criteria: Ambry Variant Classification Scheme 2023. Collection method: clinical testing. Allele origin: germline.
Comment: The p.H675Q variant (also known as c.2025T>A), located in coding exon 12 of the EPAS1 gene, results from a T to A substitution at nucleotide position 2025. The histidine at codon 675 is replaced by glutamine, an amino acid with highly similar properties. This amino acid position is conserved. In addition, this alteration is predicted to be tolerated by in silico analysis. Since supporting evidence is limited at this time, the clinical significance of this alteration remains unclear.